The following is an entry in ClinVar:

ClinVar aggregate classification (germline): Benign (0 of 4 stars; one submission).

Conditions:
PXDNL-related disorder. Also called: PXDNL-related condition.

Allele frequency attached by ClinVar (database versions not stated): ExAC 0.00106; 1000 Genomes Project 0.00300; 1000 Genomes Project 30x 0.00344; gnomAD 0.00381; TOPMed 0.00411; ESP Exome Variant Server 0.00450.
gnomAD v4.1: 1,104 of 1,613,466 alleles (0.068%); highest among the groups gnomAD compares: African/African-American, 1.3%; 2 homozygotes.

Submission:

PreventionGenetics, part of Exact Sciences
Classification: Benign for PXDNL-related condition. Last evaluated: 2019-03-21. Review status: no assertion criteria provided. Collection method: clinical testing. Allele origin: germline.
Comment: This variant is classified as benign based on ACMG/AMP sequence variant interpretation guidelines (Richards et al. 2015 PMID: 25741868, with internal and published modifications).

NM_144651.5(PXDNL):c.203G>T (p.Ser68Ile)

Gene: PXDNL (peroxidasin like; minus strand). Cytogenetic location: 8q11.22.
Variant type: single nucleotide variant.
Coding change: c.203G>T on transcript NM_144651.5 (MANE Select); coding-DNA position 203, G replaced by T.
Protein change: p.Ser68Ile; replaces serine 68 with isoleucine.
Molecular consequence: missense variant.
Genome position (GRCh38, 1-based): chr8:51,654,722, C>A on the plus strand (G>T on the coding strand, the complement: PXDNL is on the minus strand). VCF-style: chr8-51654722-C-A. GRCh37 (hg19) VCF-style: chr8-52567282-C-A.
Other names: short protein forms S68I.
Identifiers: ClinVar variation 3056730 (VCV003056730.2), dbSNP rs74457466, ClinGen allele CA4745722.